The following is an entry in ClinVar:

ClinVar aggregate classification (germline): Pathogenic (1 of 4 stars; one submission).

Conditions:
Inborn genetic diseases. Identifiers: MedGen C0950123, MeSH D030342.

Submission:

Ambry Genetics
Classification: Pathogenic for Inborn genetic diseases. Last evaluated: 2017-03-31. Review status: criteria provided, single submitter. Criteria: Ambry Variant Classification Scheme 2023. Collection method: clinical testing. Allele origin: germline.
Comment: The c.7861-1G>A intronic pathogenic mutation results from a G to A substitution one nucleotide upstream from coding exon 45 of the NIPBL gene. This mutation was identified to occur de novo (paternity confirmed) in an individual with Cornelia de Lange syndrome (Gillis LA et al. Am. J. Hum. Genet., 2004 Oct;75:610-23). In addition to the clinical data presented in the literature, alterations that disrupt the canonical splice site are expected to cause aberrant splicing, resulting in an abnormal protein or a transcript that is subject to nonsense-mediated mRNA decay. As such, this alteration is classified as a disease-causing mutation.

Literature cited by the submitters: PubMed 15318302.

NM_133433.4(NIPBL):c.7861-1G>A

Gene: NIPBL (NIPBL cohesin loading factor; plus strand). Cytogenetic location: 5p13.2.
Variant type: single nucleotide variant.
Coding change: c.7861-1G>A on transcript NM_133433.4 (MANE Select); the canonical splice acceptor site of the intron before coding-DNA position 7861, G replaced by A.
Molecular consequence: splice acceptor variant.
Genome position (GRCh38, 1-based): chr5:37,063,789, G>A. VCF-style: chr5-37063789-G-A. GRCh37 (hg19) VCF-style: chr5-37063891-G-A.
Other names: c.7861-1G>A (NM_015384.5).
Identifiers: ClinVar variation 1760924 (VCV001760924.2), dbSNP rs1561231553, ClinGen allele CA359520037.
Genomic context (GRCh38, chr5:37,063,789, plus strand): 5'-ATTTGACAATCTTGCTTGAAATATTTACTTAAAATTCTGAAATAATATCTGTTTTTTGTA[G>A]TTCAAACTTCTCATGGAACATCTGGACCCTGATGAAGAAGAAGAAGAAGGGGAGGTTTCA-3'